The following is an entry in ClinVar:

ClinVar aggregate classification (germline): Uncertain significance (1 of 4 stars; one submission).

Conditions:
Arthrogryposis syndrome. Identifiers: Orphanet 109007, MedGen CN261653, MONDO:0015225.

gnomAD v4.1: 6 of 1,614,068 alleles (0.00037%); highest among the groups gnomAD compares: South Asian, 0.0011%; no homozygotes.

Submission:

Victorian Clinical Genetics Services, Murdoch Childrens Research Institute
Classification: Uncertain significance for Arthrogryposis syndrome. Last evaluated: 2024-10-08. Review status: criteria provided, single submitter. Criteria: ACMG Guidelines, 2015. Collection method: clinical testing. Allele origin: germline. Affected: yes.
Comment: Based on the classification scheme VCGS_Germline_v1.3.4, this variant is classified as VUS-3B. Following criteria are met: 0102 - Loss of function is a known mechanism of disease in this gene and is associated with contractures, pterygia, and spondylocarpotarsal fusion syndrome 1B (CPSFS1B; MIM#618469). While functional studies support a loss of function mechanism for missense variants causing arthrogryposis, distal, type 2A (Freeman-Sheldon) (DA2A; MIM#193700), arthrogryposis, distal, type 2B (Sheldon-Hall) (DA2B; MIM#618436) or contractures, pterygia, and spondylocarpostarsal fusion syndrome 1A (CPSFS1A, MIM#178110), dominant negative has not been excluded as a mechanism (PMID: 26945064). (I) 0108 - This gene is associated with both recessive and dominant disease. Individuals with recessive CPSFS1B usually have a second hit in the 5' UTR region which affects splicing, and was regarded as a hypomorphic allele, however some cases without this variant have been reported (PMID: 35169139). Missense and inframe variants have been reported for dominant disease (PMID: 29805041, OMIM). (I) 0115 - Variants in this gene are known to have variable expressivity, with individuals with the same variant presenting with varying severity (PMID: 29805041). (I) 0200 - Variant is predicted to result in a missense amino acid change from arginine to tryptophan. (I) 0252 - This variant is homozygous. (I) 0304 - Variant is present in gnomAD <0.01 (v2: 2 heterozygotes, 0 homozygotes). (SP) 0309 - An alternative amino acid change at the same position has been observed in gnomAD (v2) (2 heterozygotes, 0 homozygotes). (I) 0501 - Missense variant consistently predicted to be damaging by multiple in silico tools or highly conserved with a major amino acid change. (SP) 0600 - Variant is located in the annotated myosin head domain (DECIPHER). (I) 0705 - No comparable missense variants have previous evidence for pathogenicity. (I) 0807 - This variant has no previous evidence of pathogenicity. (I) 0905 - No published segregation evidence has been identified for this variant. (I) 1007 - No published functional evidence has been identified for this variant. (I) 1208 - Inheritance information for this variant is not currently available in this individual. (I) Legend: (SP) - Supporting pathogenic, (I) - Information, (SB) - Supporting benign

Literature cited by the submitters: PubMed 26945064; PubMed 29805041; PubMed 35169139.

NM_002470.4(MYH3):c.2083C>T (p.Arg695Trp)

Gene: MYH3 (myosin heavy chain 3; minus strand). Cytogenetic location: 17p13.1.
Variant type: single nucleotide variant.
Coding change: c.2083C>T on transcript NM_002470.4 (MANE Select); coding-DNA position 2083, C replaced by T.
Protein change: p.Arg695Trp; replaces arginine 695 with tryptophan.
Molecular consequence: missense variant.
Genome position (GRCh38, 1-based): chr17:10,641,167, G>A on the plus strand (C>T on the coding strand, the complement: MYH3 is on the minus strand). VCF-style: chr17-10641167-G-A. GRCh37 (hg19) VCF-style: chr17-10544484-G-A.
Other names: short protein forms R695W.
Identifiers: ClinVar variation 3377247 (VCV003377247.1).